The following is an entry in ClinVar:

ClinVar aggregate classification (germline): Uncertain significance (1 of 4 stars; one submission).

Conditions:
Gastrointestinal stromal tumor. Also called: Gastrointestinal stroma tumor; Gastrointestinal stromal tumor, somatic. Identifiers: Orphanet 44890, MedGen C0238198, MeSH D046152, MONDO:0011719, OMIM 606764, HP:0100723.

Submission:

Labcorp Genetics (formerly Invitae), Labcorp
Classification: Uncertain significance for Gastrointestinal stromal tumor. Last evaluated: 2021-12-05. Review status: criteria provided, single submitter. Criteria: Invitae Variant Classification Sherloc (09022015). Collection method: clinical testing. Allele origin: germline.
Comment: This sequence change replaces valine, which is neutral and non-polar, with isoleucine, which is neutral and non-polar, at codon 332 of the PDGFRA protein (p.Val332Ile). This variant is not present in population databases (gnomAD no frequency). This variant has not been reported in the literature in individuals affected with PDGFRA-related conditions. Algorithms developed to predict the effect of missense changes on protein structure and function are either unavailable or do not agree on the potential impact of this missense change (SIFT: "Tolerated"; PolyPhen-2: "Probably Damaging"; Align-GVGD: "Class C0"). In summary, the available evidence is currently insufficient to determine the role of this variant in disease. Therefore, it has been classified as a Variant of Uncertain Significance.

NM_006206.6(PDGFRA):c.994G>A (p.Val332Ile)

Gene: PDGFRA (platelet derived growth factor receptor alpha; plus strand). Cytogenetic location: 4q12.
Variant type: single nucleotide variant.
Coding change: c.994G>A on transcript NM_006206.6 (MANE Select); coding-DNA position 994, G replaced by A.
Protein change: p.Val332Ile; replaces valine 332 with isoleucine.
Molecular consequence: missense variant.
Genome position (GRCh38, 1-based): chr4:54,267,614, G>A. VCF-style: chr4-54267614-G-A. GRCh37 (hg19) VCF-style: chr4-55133781-G-A.
Other names: c.994G>A, p.Val332Ile (NM_001347827.2, NM_001347829.2); c.1069G>A, p.Val357Ile (NM_001347828.2); c.1033G>A, p.Val345Ile (NM_001347830.2); short protein forms V332I, V345I, V357I.
Identifiers: ClinVar variation 1499332 (VCV001499332.6), dbSNP rs2110266847, ClinGen allele CA356891568.